The following is an entry in ClinVar:

ClinVar aggregate classification (germline): Likely pathogenic. Review status: criteria provided, multiple submitters, no conflicts (2 of 4 stars). 2 submissions from 2 submitters: Likely pathogenic (2). Last evaluated 2024-02-09.

Conditions:
Juvenile polyposis syndrome (JPS). Identifiers: Orphanet 2929, MedGen C0345893, MONDO:0017380, OMIM 174900.
Juvenile polyposis/hereditary hemorrhagic telangiectasia syndrome (JPHT). Also called: JP/HHT SYNDROME; JUVENILE POLYPOSIS WITH HEREDITARY HEMORRHAGIC TELANGIECTASIA; POLYPOSIS, GENERALIZED JUVENILE, WITH PULMONARY ARTERIOVENOUS MALFORMATION; TELANGIECTASIA, HEREDITARY HEMORRHAGIC, WITH JUVENILE POLYPOSIS COLI; Juvenile Polyposis Syndrome / Hereditary Hemorrhagic Telangiectasia (JPS/HHT). Identifiers: Orphanet 2929, MedGen C1832942, MONDO:0008278, OMIM 175050.

Submissions (2):

Myriad Genetics, Inc.
Classification: Likely pathogenic for Juvenile polyposis/hereditary hemorrhagic telangiectasia syndrome. Last evaluated: 2024-02-09. Review status: criteria provided, single submitter. Criteria: Myriad Autosomal Dominant, Autosomal Recessive and X-Linked Classification Criteria (2023). Collection method: clinical testing. Allele origin: unknown.
Comment: This variant is considered likely pathogenic. This variant occurs within a consensus splice junction and is predicted to result in abnormal mRNA splicing of either an out-of-frame exon or an in-frame exon necessary for protein stability and/or normal function.

Labcorp Genetics (formerly Invitae), Labcorp
Classification: Likely pathogenic for Juvenile polyposis syndrome. Last evaluated: 2020-02-17. Review status: criteria provided, single submitter. Criteria: Invitae Variant Classification Sherloc (09022015). Collection method: clinical testing. Allele origin: germline.
Comment: This sequence change affects a donor splice site in intron 10 of the SMAD4 gene. It is expected to disrupt RNA splicing and likely results in an absent or disrupted protein product. This variant is not present in population databases (ExAC no frequency). This variant has not been reported in the literature in individuals with SMAD4-related conditions. Algorithms developed to predict the effect of sequence changes on RNA splicing suggest that this variant may disrupt the consensus splice site, but this prediction has not been confirmed by published transcriptional studies. Donor and acceptor splice site variants typically lead to a loss of protein function (PMID: 16199547), and loss-of-function variants in SMAD4 are known to be pathogenic (PMID: 16152648, 16436638, 22810475). In summary, the currently available evidence indicates that the variant is pathogenic, but additional data are needed to prove that conclusively. Therefore, this variant has been classified as Likely Pathogenic.

Literature cited by the submitters: PubMed 16199547 (cited by Labcorp Genetics (formerly Invitae), Labcorp); PubMed 16152648 (cited by Labcorp Genetics (formerly Invitae), Labcorp); PubMed 16436638 (cited by Labcorp Genetics (formerly Invitae), Labcorp); PubMed 22810475 (cited by Labcorp Genetics (formerly Invitae), Labcorp).

NM_005359.6(SMAD4):c.1308+2T>G

Gene: SMAD4 (SMAD family member 4; plus strand). Cytogenetic location: 18q21.2.
Variant type: single nucleotide variant.
Coding change: c.1308+2T>G on transcript NM_005359.6 (MANE Select); the canonical splice donor site of the intron after coding-DNA position 1308, T replaced by G.
Molecular consequence: splice donor variant.
Genome position (GRCh38, 1-based): chr18:51,067,189, T>G. VCF-style: chr18-51067189-T-G. GRCh37 (hg19) VCF-style: chr18-48593559-T-G.
Other names: c.1308+2T>G (NM_001407042.1, NM_001407041.1).
Identifiers: ClinVar variation 1067853 (VCV001067853.9), dbSNP rs1555686624, ClinGen allele CA402465090.